The following is an entry in ClinVar:

ClinVar aggregate classification (germline): Uncertain significance (1 of 4 stars; one submission).

Conditions:
Congenital myopathy 20 (CMYO20). Identifiers: MedGen C5830393, MONDO:0957215, OMIM 620310.

gnomAD v4.1: 1 of 1,610,124 alleles (0.000062%); highest among the groups gnomAD compares: East Asian, 0.0022%; no homozygotes.

Submission:

Juno Genomics, Hangzhou Juno Genomics, Inc
Classification: Uncertain significance for Congenital myopathy 20. Review status: criteria provided, single submitter. Criteria: ACMG Guidelines, 2015. Collection method: clinical testing. Allele origin: germline.
Comment: Absent from controls (or at extremely low frequency if recessive) in Genome Aggregation Database.;Multiple lines of computational evidence support a deleterious effect on the gene or gene product.

NM_001036.6(RYR3):c.6974C>A (p.Pro2325His)

Gene: RYR3 (ryanodine receptor 3; plus strand). Cytogenetic location: 15q14.
Variant type: single nucleotide variant.
Coding change: c.6974C>A on transcript NM_001036.6 (MANE Select); coding-DNA position 6974, C replaced by A.
Protein change: p.Pro2325His; replaces proline 2325 with histidine.
Molecular consequence: missense variant.
Genome position (GRCh38, 1-based): chr15:33,726,447, C>A. VCF-style: chr15-33726447-C-A. GRCh37 (hg19) VCF-style: chr15-34018648-C-A.
Other names: c.6974C>A, p.Pro2325His (NM_001243996.4); short protein forms P2325H.
Identifiers: ClinVar variation 5018666 (VCV005018666.2).